The following is an entry in ClinVar:

ClinVar aggregate classification (germline): Likely pathogenic (1 of 4 stars; one submission).

Submission:

Labcorp Genetics (formerly Invitae), Labcorp
Classification: Likely pathogenic. Last evaluated: 2021-09-08. Review status: criteria provided, single submitter. Criteria: Invitae Variant Classification Sherloc (09022015). Collection method: clinical testing. Allele origin: germline.
Comment: This variant has not been reported in the literature in individuals affected with USH1C-related conditions. Algorithms developed to predict the effect of sequence changes on RNA splicing suggest that this variant may disrupt the consensus splice site. In summary, the currently available evidence indicates that the variant is pathogenic, but additional data are needed to prove that conclusively. Therefore, this variant has been classified as Likely Pathogenic. This variant results in the deletion of part of exon 2 (c.37-3_46del) of the USH1C gene. It is expected to disrupt RNA splicing. Variants that disrupt the donor or acceptor splice site typically lead to a loss of protein function (PMID: 16199547), and loss-of-function variants in USH1C are known to be pathogenic (PMID: 10973247, 17407589, 20301442, 21203349). This variant is not present in population databases (ExAC no frequency).

Literature cited by the submitters: PubMed 16199547; PubMed 10973247; PubMed 17407589; PubMed 20301442; PubMed 21203349.

NM_153676.4(USH1C):c.37-3_46del

Gene: USH1C (USH1 protein network component harmonin; minus strand). Cytogenetic location: 11p15.1.
Variant type: Deletion.
Coding change: c.37-3_46del on transcript NM_153676.4 (MANE Select); 3 bases into the intron before coding-DNA position 37 through coding-DNA position 46, 13 bases deleted (CAGGTGGATTTTC).
Molecular consequence: splice acceptor variant.
Genome position (GRCh38, 1-based): chr11:17,533,313-17,533,325, GAAAATCCACCTG deleted on the plus strand (CAGGTGGATTTTC on the coding strand, the reverse complement: USH1C is on the minus strand); deleting any 13 consecutive bases within chr11:17,533,313-17,533,334 gives the same sequence; the c. name uses the placement nearest the transcript's 3' end. VCF-style (leftmost placement, unchanged base first): chr11-17533312-AGAAAATCCACCTG-A. GRCh37 (hg19) VCF-style: chr11-17554859-AGAAAATCCACCTG-A.
Other names: c.37-3_46del (NM_001297764.2, NM_005709.4).
Identifiers: ClinVar variation 1480933 (VCV001480933.6), dbSNP rs2133928467, ClinGen allele CA2573146155.